The following is an entry in ClinVar:

NM_033310.3(KCNK4):c.184A>G (p.Ile62Val)

Genes: KCNK4 (potassium two pore domain channel subfamily K member 4; plus strand), KCNK4-CATSPERZ (KCNK4-CATSPERZ readthrough (NMD candidate); plus strand). Cytogenetic location: 11q13.1.
Variant type: single nucleotide variant.
Coding change: c.184A>G on transcript NM_033310.3 (MANE Select); coding-DNA position 184, A replaced by G.
Protein change: p.Ile62Val; replaces isoleucine 62 with valine.
Molecular consequence: missense variant. On other transcripts: non-coding transcript variant (2).
Genome position (GRCh38, 1-based): chr11:64,293,202, A>G. VCF-style: chr11-64293202-A-G. GRCh37 (hg19) VCF-style: chr11-64060674-A-G.
Other names: c.184A>G, p.Ile62Val (NM_001317090.2); short protein forms I62V.
Identifiers: ClinVar variation 1475152 (VCV001475152.8), dbSNP rs754420092, ClinGen allele CA381158860.

ClinVar aggregate classification (germline): Uncertain significance (1 of 4 stars; one submission).

gnomAD v4.1: 2 of 1,463,032 alleles (0.00014%); highest among the groups gnomAD compares: Non-Finnish European, 0.00018%; no homozygotes.

Submission:

Labcorp Genetics (formerly Invitae), Labcorp
Classification: Uncertain significance. Last evaluated: 2022-07-19. Review status: criteria provided, single submitter. Criteria: Invitae Variant Classification Sherloc (09022015). Collection method: clinical testing. Allele origin: germline.
Comment: In summary, the available evidence is currently insufficient to determine the role of this variant in disease. Therefore, it has been classified as a Variant of Uncertain Significance. Algorithms developed to predict the effect of missense changes on protein structure and function output the following: SIFT: "Not Available"; PolyPhen-2: "Benign"; Align-GVGD: "Not Available". The valine amino acid residue is found in multiple mammalian species, which suggests that this missense change does not adversely affect protein function. ClinVar contains an entry for this variant (Variation ID: 1475152). This variant has not been reported in the literature in individuals affected with KCNK4-related conditions. This variant is present in population databases (no rsID available, gnomAD 0.003%). This sequence change replaces isoleucine, which is neutral and non-polar, with valine, which is neutral and non-polar, at codon 62 of the KCNK4 protein (p.Ile62Val).